The following is an entry in ClinVar:

ClinVar aggregate classification (germline): Pathogenic. Review status: criteria provided, multiple submitters, no conflicts (2 of 4 stars). 2 submissions from 2 submitters: Pathogenic (2). Last evaluated 2025-11-19.

Conditions:
CFTR-related disorder (CFTR-RD). Also called: CFTR-related condition; CFTR-related disorders. Identifiers: MedGen C5924204, MONDO:7770004.
Cystic fibrosis (CF). Also called: MUCOVISCIDOSIS. Identifiers: Orphanet 586, MedGen C0010674, MONDO:0009061, OMIM 219700. Disease mechanism: loss of function.

Allele frequency attached by ClinVar (database versions not stated): gnomAD exomes below 0.00001.
gnomAD v4.1: 2 of 1,613,974 alleles (0.00012%); highest among the groups gnomAD compares: South Asian, 0.0022%; no homozygotes.

Submissions (2):

Natera, Inc.
Classification: Pathogenic for CFTR-related disorders. Last evaluated: 2025-11-19. Review status: criteria provided, single submitter. Criteria: Natera Variant Classification Schema (03/2026). Collection method: clinical testing. Allele origin: germline.
Comment: The c.2885C>A variant in CFTR is a nonsense variant predicted to introduce a stop codon at amino acid 962. This variant is expected to result in nonsense mediated decay, truncation, or a dysfunctional protein product. This variant is rare in the general population with a frequency below the threshold expected for the associated phenotype(s). This variant has been observed in one or more individuals affected with the associated recessive disease, as either homozygous or compound heterozygous with a second variant (PMID: 27261451). Given the available evidence, this variant is classified as Pathogenic.

Ambry Genetics
Classification: Pathogenic for Cystic fibrosis. Last evaluated: 2021-06-15. Review status: criteria provided, single submitter. Criteria: Ambry Variant Classification Scheme 2023. Collection method: clinical testing. Allele origin: germline.
Comment: The p.S962* pathogenic mutation (also known as c.2885C>A), located in coding exon 17 of the CFTR gene, results from a C to A substitution at nucleotide position 2885. This changes the amino acid from a serine to a stop codon within coding exon 17. This alteration and the similar p.S962* (c.2885C>G) have been reported in a cystic fibrosis cohort with limited clinical details provided (Arora K et al. Am J Physiol Lung Cell Mol Physiol, 2016 Aug;311:L364-74). In addition to the clinical data presented in the literature, this alteration is expected to result in loss of function by premature protein truncation or nonsense-mediated mRNA decay. As such, this alteration is interpreted as a disease-causing mutation.

Literature cited by the submitters: PubMed 27261451 (cited by Natera, Inc. and Ambry Genetics); PubMed 26708955 (cited by Ambry Genetics).

NM_000492.4(CFTR):c.2885C>A (p.Ser962Ter)

Gene: CFTR (CF transmembrane conductance regulator; plus strand). Cytogenetic location: 7q31.2.
Variant type: single nucleotide variant.
Coding change: c.2885C>A on transcript NM_000492.4 (MANE Select); coding-DNA position 2885, C replaced by A.
Protein change: p.Ser962Ter; replaces serine 962 with a stop codon.
Molecular consequence: nonsense.
Genome position (GRCh38, 1-based): chr7:117,603,759, C>A. VCF-style: chr7-117603759-C-A. GRCh37 (hg19) VCF-style: chr7-117243813-C-A.
Other names: short protein forms S962*.
Identifiers: ClinVar variation 1797214 (VCV001797214.3), dbSNP rs2485122435, ClinGen allele CA368987548.
Genomic context (GRCh38, chr7:117,603,759, plus strand): 5'-TCACAGTGTCGAAAATTTTACACCACAAAATGTTACATTCTGTTCTTCAAGCACCTATGT[C>A]AACCCTCAACACGTTGAAAGCAGGTACTTTACTAGGTCTAAGAAATGAAACTGCTGATCC-3'